The following is an entry in ClinVar:

ClinVar aggregate classification (germline): Conflicting classifications of pathogenicity. Review status: criteria provided, conflicting classifications (1 of 4 stars). 2 submissions from 2 submitters: Uncertain significance (1); Likely benign (1). Last evaluated 2024-01-20.

Conditions:
Branchiootic syndrome 3 (BOS3). Also called: BO SYNDROME 3. Identifiers: MedGen C1842124, MONDO:0012025, OMIM 608389.
Autosomal dominant nonsyndromic hearing loss 23. Identifiers: Orphanet 90635, MedGen C1854594, MONDO:0011519, OMIM 605192.

Allele frequency attached by ClinVar (database versions not stated): gnomAD 0.00001.
gnomAD v4.1: 11 of 1,599,944 alleles (0.00069%); highest among the groups gnomAD compares: Non-Finnish European, 0.00094%; no homozygotes.

Submissions (2):

Fulgent Genetics
Classification: Uncertain significance for Autosomal dominant nonsyndromic hearing loss 23; Branchiootic syndrome 3. Last evaluated: 2024-01-20. Review status: criteria provided, single submitter. Criteria: ACMG Guidelines, 2015. Collection method: clinical testing. Allele origin: germline.

Women's Health and Genetics/Laboratory Corporation of America, LabCorp
Classification: Likely benign. Last evaluated: 2022-10-12. Review status: criteria provided, single submitter. Criteria: LabCorp Variant Classification Summary - May 2015. Collection method: clinical testing. Allele origin: germline.
Comment: Variant summary: SIX1 c.597G>A alters a non-conserved nucleotide resulting in a synonymous change. 4/4 computational tools predict no significant impact on normal splicing, however, these predictions have yet to be confirmed by functional studies. The variant was absent in 248504 control chromosomes (gnomAD). The available data on variant occurrences in the general population are insufficient to allow any conclusion about variant significance. To our knowledge, no occurrence of c.597G>A in individuals affected with Branchiootic Syndrome 3 and no experimental evidence demonstrating its impact on protein function have been reported. No clinical diagnostic laboratories have submitted clinical-significance assessments for this variant to ClinVar after 2014. Based on the evidence outlined above, the variant was classified as likely benign.

NM_005982.4(SIX1):c.597G>A (p.Lys199=)

Gene: SIX1 (SIX homeobox 1; minus strand). Cytogenetic location: 14q23.1.
Variant type: single nucleotide variant.
Coding change: c.597G>A on transcript NM_005982.4 (MANE Select); coding-DNA position 597, G replaced by A.
Protein change: p.Lys199=; no amino-acid change (lysine 199 retained).
Molecular consequence: synonymous variant.
Genome position (GRCh38, 1-based): chr14:60,646,541, C>T on the plus strand (G>A on the coding strand, the complement: SIX1 is on the minus strand). VCF-style: chr14-60646541-C-T. GRCh37 (hg19) VCF-style: chr14-61113259-C-T.
Identifiers: ClinVar variation 1723302 (VCV001723302.2), dbSNP rs1168903423, ClinGen allele CA486953613.